The following is an entry in ClinVar:

NM_145691.4(ATPAF2):c.75T>G (p.Ala25=)

Genes: ATPAF2 (ATP synthase mitochondrial F1 complex assembly factor 2; minus strand), LOC130060410 (ATAC-STARR-seq lymphoblastoid active region 11821; plus strand). Cytogenetic location: 17p11.2.
Variant type: single nucleotide variant.
Coding change: c.75T>G on transcript NM_145691.4 (MANE Select); coding-DNA position 75, T replaced by G.
Protein change: p.Ala25=; no amino-acid change (alanine 25 retained).
Molecular consequence: synonymous variant.
Genome position (GRCh38, 1-based): chr17:18,038,939, A>C on the plus strand (T>G on the coding strand, the complement: ATPAF2 is on the minus strand). VCF-style: chr17-18038939-A-C. GRCh37 (hg19) VCF-style: chr17-17942253-A-C.
Identifiers: ClinVar variation 392375 (VCV000392375.1), dbSNP rs1057524464, ClinGen allele CA16607540.

ClinVar aggregate classification (germline): Likely benign (1 of 4 stars; one submission).

Submission:

GeneDx
Classification: Likely benign. Last evaluated: 2017-01-03. Review status: criteria provided, single submitter. Criteria: GeneDx Variant Classification (06012015). Collection method: clinical testing. Allele origin: germline. Affected: yes.
Comment: This variant is considered likely benign or benign based on one or more of the following criteria: it is a conservative change, it occurs at a poorly conserved position in the protein, it is predicted to be benign by multiple in silico algorithms, and/or has population frequency not consistent with disease.